The following is an entry in ClinVar:

NM_020778.5(ALPK3):c.3347G>A (p.Gly1116Glu)

Gene: ALPK3 (alpha kinase 3; plus strand). Cytogenetic location: 15q25.3.
Variant type: single nucleotide variant.
Coding change: c.3347G>A on transcript NM_020778.5 (MANE Select); coding-DNA position 3347, G replaced by A.
Protein change: p.Gly1116Glu; replaces glycine 1116 with glutamic acid.
Molecular consequence: missense variant.
Genome position (GRCh38, 1-based): chr15:84,858,085, G>A. VCF-style: chr15-84858085-G-A. GRCh37 (hg19) VCF-style: chr15-85401316-G-A.
Other names: short protein forms G1116E.
Identifiers: ClinVar variation 1736457 (VCV001736457.4), dbSNP rs554737333, ClinGen allele CA7709605.

ClinVar aggregate classification (germline): Uncertain significance. Review status: criteria provided, multiple submitters, no conflicts (2 of 4 stars). 2 submissions from 2 submitters: Uncertain significance (2). Last evaluated 2025-12-19.

Conditions:
Cardiovascular phenotype. Identifiers: MedGen CN230736.

Allele frequency attached by ClinVar (database versions not stated): ExAC 0.00001; gnomAD 0.00001; TOPMed 0.00002; 1000 Genomes Project 30x 0.00016; 1000 Genomes Project 0.00020.
gnomAD v4.1: 4 of 1,568,874 alleles (0.00025%); highest among the groups gnomAD compares: African/African-American, 0.0054%; no homozygotes.

Submissions (2):

Labcorp Genetics (formerly Invitae), Labcorp
Classification: Uncertain significance. Last evaluated: 2025-12-19. Review status: criteria provided, single submitter. Criteria: Invitae Variant Classification Sherloc (09022015). Collection method: clinical testing. Allele origin: germline.
Comment: This sequence change replaces glycine, which is neutral and non-polar, with glutamic acid, which is acidic and polar, at codon 1318 of the ALPK3 protein (p.Gly1318Glu). The frequency data for this variant in the population databases is considered unreliable, as metrics indicate poor data quality at this position in the gnomAD database. This variant has not been reported in the literature in individuals affected with ALPK3-related conditions. ClinVar contains an entry for this variant (Variation ID: 1736457). Invitae Evidence Modeling of protein sequence and biophysical properties (such as structural, functional, and spatial information, amino acid conservation, physicochemical variation, residue mobility, and thermodynamic stability) indicates that this missense variant is not expected to disrupt ALPK3 protein function with a negative predictive value of 80%. In summary, the available evidence is currently insufficient to determine the role of this variant in disease. Therefore, it has been classified as a Variant of Uncertain Significance.

Ambry Genetics
Classification: Uncertain significance for Cardiovascular phenotype. Last evaluated: 2023-02-08. Review status: criteria provided, single submitter. Criteria: Ambry Variant Classification Scheme 2023. Collection method: clinical testing. Allele origin: germline.
Comment: The p.G1318E variant (also known as c.3953G>A), located in coding exon 6 of the ALPK3 gene, results from a G to A substitution at nucleotide position 3953. The glycine at codon 1318 is replaced by glutamic acid, an amino acid with similar properties. This amino acid position is not well conserved in available vertebrate species. In addition, this alteration is predicted to be tolerated by in silico analysis. Since supporting evidence is limited at this time, the clinical significance of this alteration remains unclear.